The following is an entry in ClinVar:

NM_000051.4(ATM):c.687A>G (p.Leu229=)

Gene: ATM (ATM serine/threonine kinase; plus strand). Cytogenetic location: 11q22.3.
Variant type: single nucleotide variant.
Coding change: c.687A>G on transcript NM_000051.4 (MANE Select); coding-DNA position 687, A replaced by G.
Protein change: p.Leu229=; no amino-acid change (leucine 229 retained).
Molecular consequence: synonymous variant.
Genome position (GRCh38, 1-based): chr11:108,244,812, A>G. VCF-style: chr11-108244812-A-G. GRCh37 (hg19) VCF-style: chr11-108115539-A-G.
Other names: c.687A>G, p.Leu229= (NM_001351834.2).
Identifiers: ClinVar variation 481330 (VCV000481330.13), dbSNP rs3218706, ClinGen allele CA228384555.

ClinVar aggregate classification (germline): Benign/Likely benign. Review status: criteria provided, multiple submitters, no conflicts (2 of 4 stars). 4 submissions from 4 submitters: Benign (1); Likely benign (3). Last evaluated 2025-03-31.

Conditions:
Hereditary cancer-predisposing syndrome. Also called: Hereditary neoplastic syndrome; Neoplastic Syndromes, Hereditary; Tumor predisposition; Hereditary Cancer Syndrome. Identifiers: Orphanet 140162, MedGen C0027672, MeSH D009386, MONDO:0015356.
Familial cancer of breast. Also called: BREAST CANCER, FAMILIAL; Hereditary breast cancer; hereditary breast carcinoma. Identifiers: Orphanet 227535, MedGen C0346153, MONDO:0016419, OMIM 114480. Disease mechanism: loss of function.
Ataxia-telangiectasia syndrome (AT). Also called: LOUIS-BAR SYNDROME; Cerebello-oculocutaneous telangiectasia; Immunodeficiency with ataxia telangiectasia; AT, COMPLEMENTATION GROUP C; Ataxia-telangiectasia, complementation group D; ATAXIA-TELANGIECTASIA, COMPLEMENTATION GROUP A. Identifiers: Orphanet 100, MedGen C0004135, MONDO:0008840, OMIM 208900.

Submissions (4):

Labcorp Genetics (formerly Invitae), Labcorp
Classification: Likely benign for Ataxia-telangiectasia syndrome. Last evaluated: 2025-03-31. Review status: criteria provided, single submitter. Criteria: Invitae Variant Classification Sherloc (09022015). Collection method: clinical testing. Allele origin: germline.

Myriad Genetics, Inc.
Classification: Benign for Familial cancer of breast. Last evaluated: 2024-04-22. Review status: criteria provided, single submitter. Criteria: Myriad Autosomal Dominant, Autosomal Recessive and X-Linked Classification Criteria (2023). Collection method: clinical testing. Allele origin: unknown.
Comment: This variant is considered benign. This variant is a silent/synonymous amino acid change and it is not expected to impact splicing.

Color Diagnostics, LLC DBA Color Health
Classification: Likely benign for Hereditary cancer-predisposing syndrome. Last evaluated: 2017-05-22. Review status: criteria provided, single submitter. Criteria: ACMG Guidelines, 2015. Collection method: clinical testing. Allele origin: germline.

Ambry Genetics
Classification: Likely benign for Hereditary cancer-predisposing syndrome. Last evaluated: 2017-02-09. Review status: criteria provided, single submitter. Criteria: Ambry Variant Classification Scheme 2023. Collection method: clinical testing. Allele origin: germline.